The following is an entry in ClinVar:

NM_033419.5(PGAP3):c.333G>C (p.Ser111=)

Gene: PGAP3 (post-GPI attachment to proteins phospholipase 3; minus strand). Cytogenetic location: 17q12.
Variant type: single nucleotide variant.
Coding change: c.333G>C on transcript NM_033419.5 (MANE Select); coding-DNA position 333, G replaced by C.
Protein change: p.Ser111=; no amino-acid change (serine 111 retained).
Molecular consequence: synonymous variant. On other transcripts: intron variant (1).
Genome position (GRCh38, 1-based): chr17:39,684,696, C>G on the plus strand (G>C on the coding strand, the complement: PGAP3 is on the minus strand). VCF-style: chr17-39684696-C-G. GRCh37 (hg19) VCF-style: chr17-37840949-C-G.
Other names: c.333G>C, p.Ser111= (NM_001291728.2, NM_001291730.2, NM_001291732.2 and 1 more transcripts); c.279+1226G>C (NM_001291726.2).
Identifiers: ClinVar variation 4822144 (VCV004822144.4).

ClinVar aggregate classification (germline): Likely benign (1 of 4 stars; one submission).

gnomAD v4.1: 7 of 1,613,712 alleles (0.00043%); highest among the groups gnomAD compares: Non-Finnish European, 0.00059%; no homozygotes.

Submission:

CeGaT Center for Human Genetics Tuebingen
Classification: Likely benign. Last evaluated: 2026-02-01. Review status: criteria provided, single submitter. Criteria: CeGaT Center For Human Genetics Tuebingen Variant Classification Criteria Version 2. Collection method: clinical testing. Allele origin: germline. Affected: yes. Observed: 1 variant allele.
Comment: PGAP3: BP4, BP7